The following is an entry in ClinVar:

ClinVar aggregate classification (germline): Uncertain significance (1 of 4 stars; one submission).

Conditions:
Short QT syndrome type 3. Identifiers: Orphanet 51083, MedGen C1865018, MONDO:0012314, OMIM 609622.
Andersen Tawil syndrome (LQT7). Also called: ANDERSEN CARDIODYSRHYTHMIC PERIODIC PARALYSIS; Andersen Syndrome; PERIODIC PARALYSIS, POTASSIUM-SENSITIVE CARDIODYSRHYTHMIC TYPE; LONG QT SYNDROME 7; Potassium-sensitive periodic paralysis, ventricular ectopy, and dysmorphic features. Identifiers: Orphanet 37553, MedGen C1563715, MONDO:0008222, OMIM 170390.

Submission:

Labcorp Genetics (formerly Invitae), Labcorp
Classification: Uncertain significance for Short QT syndrome type 3; Andersen Tawil syndrome. Last evaluated: 2022-06-16. Review status: criteria provided, single submitter. Criteria: Invitae Variant Classification Sherloc (09022015). Collection method: clinical testing. Allele origin: germline.
Comment: In summary, the available evidence is currently insufficient to determine the role of this variant in disease. Therefore, it has been classified as a Variant of Uncertain Significance. Algorithms developed to predict the effect of missense changes on protein structure and function (SIFT, PolyPhen-2, Align-GVGD) all suggest that this variant is likely to be disruptive. This variant has not been reported in the literature in individuals affected with KCNJ2-related conditions. This variant is not present in population databases (gnomAD no frequency). This sequence change replaces arginine, which is basic and polar, with glycine, which is neutral and non-polar, at codon 46 of the KCNJ2 protein (p.Arg46Gly).

NM_000891.3(KCNJ2):c.136C>G (p.Arg46Gly)

Gene: KCNJ2 (potassium inwardly rectifying channel subfamily J member 2; plus strand). Cytogenetic location: 17q24.3.
Variant type: single nucleotide variant.
Coding change: c.136C>G on transcript NM_000891.3 (MANE Select); coding-DNA position 136, C replaced by G.
Protein change: p.Arg46Gly; replaces arginine 46 with glycine.
Molecular consequence: missense variant.
Genome position (GRCh38, 1-based): chr17:70,175,175, C>G. VCF-style: chr17-70175175-C-G. GRCh37 (hg19) VCF-style: chr17-68171316-C-G.
Other names: short protein forms R46G.
Identifiers: ClinVar variation 1388498 (VCV001388498.6), dbSNP rs2074385043, ClinGen allele CA400859942.